The following is an entry in ClinVar:

NM_025114.4(CEP290):c.2468A>G (p.Tyr823Cys)

Gene: CEP290 (centrosomal protein 290; minus strand). Cytogenetic location: 12q21.32.
Variant type: single nucleotide variant.
Coding change: c.2468A>G on transcript NM_025114.4 (MANE Select); coding-DNA position 2468, A replaced by G.
Protein change: p.Tyr823Cys; replaces tyrosine 823 with cysteine.
Molecular consequence: missense variant.
Genome position (GRCh38, 1-based): chr12:88,109,081, T>C on the plus strand (A>G on the coding strand, the complement: CEP290 is on the minus strand). VCF-style: chr12-88109081-T-C. GRCh37 (hg19) VCF-style: chr12-88502858-T-C.
Other names: short protein forms Y823C.
Identifiers: ClinVar variation 1436862 (VCV001436862.6), dbSNP rs2137662247, ClinGen allele CA385972555.

ClinVar aggregate classification (germline): Uncertain significance (1 of 4 stars; one submission).

Conditions:
Joubert syndrome. Also called: CEREBELLOPARENCHYMAL DISORDER IV; JOUBERT-BOLTSHAUSER SYNDROME; Familial aplasia of the vermis. Identifiers: Orphanet 475, MedGen C5979921, MONDO:0018772.
Nephronophthisis. Also called: Juvenile Nephronophthisis. Identifiers: Orphanet 655, MedGen C0687120, MONDO:0019005, HP:0000090.
Meckel-Gruber syndrome. Also called: DYSENCEPHALIA SPLANCHNOCYSTICA; GRUBER SYNDROME; Dysencephalia splachnocystica. Identifiers: Orphanet 564, MedGen C0265215, MONDO:0018921.

Submission:

Labcorp Genetics (formerly Invitae), Labcorp
Classification: Uncertain significance for Joubert syndrome; Meckel-Gruber syndrome; Nephronophthisis. Last evaluated: 2024-10-16. Review status: criteria provided, single submitter. Criteria: Invitae Variant Classification Sherloc (09022015). Collection method: clinical testing. Allele origin: germline.
Comment: This sequence change replaces tyrosine, which is neutral and polar, with cysteine, which is neutral and slightly polar, at codon 823 of the CEP290 protein (p.Tyr823Cys). This variant is not present in population databases (gnomAD no frequency). This variant has not been reported in the literature in individuals affected with CEP290-related conditions. ClinVar contains an entry for this variant (Variation ID: 1436862). Invitae Evidence Modeling of protein sequence and biophysical properties (such as structural, functional, and spatial information, amino acid conservation, physicochemical variation, residue mobility, and thermodynamic stability) indicates that this missense variant is expected to disrupt CEP290 protein function with a positive predictive value of 80%. In summary, the available evidence is currently insufficient to determine the role of this variant in disease. Therefore, it has been classified as a Variant of Uncertain Significance.